The following is an entry in ClinVar:

ClinVar aggregate classification (germline): other (0 of 4 stars; one submission).

Conditions:
Familial colorectal cancer. Identifiers: MedGen CN280943, MONDO:0023113. Disease mechanism: loss of function.

Submission:

Systems Biology Platform Zhejiang California International NanoSystems Institute
Classification: other for Familial colorectal cancer. Review status: no assertion criteria provided. Collection method: not provided. Allele origin: unknown.
ClinVar note: Converted during submission from cancer to other.

NM_000038.6(APC):c.422+3533G>T

Gene: APC (APC regulator of WNT signaling pathway; plus strand). Cytogenetic location: 5q22.2.
Variant type: single nucleotide variant.
Coding change: c.422+3533G>T on transcript NM_000038.6 (MANE Select); 3533 bases into the intron after coding-DNA position 422, G replaced by T.
Molecular consequence: intron variant.
Genome position (GRCh38, 1-based): chr5:112,770,923, G>T. VCF-style: chr5-112770923-G-T. GRCh37 (hg19) VCF-style: chr5-112106620-G-T.
Other names: c.422+3533G>T (NM_001354895.2, NM_001127510.3, NM_001354896.2 and 2 more transcripts); c.452+3533G>T (NM_001354897.2, NM_001354902.2, NM_001127511.3); c.347+3533G>T (NM_001354898.2, NM_001354904.2); c.-614+3533G>T (NM_001354906.2); c.245+3533G>T (NM_001354900.2, NM_001354901.2, NM_001354905.2).
Identifiers: ClinVar variation 82886 (VCV000082886.2), dbSNP rs78837782, ClinGen allele CA009081.